The following is an entry in ClinVar:

ClinVar aggregate classification (germline): Uncertain significance. Review status: criteria provided, multiple submitters, no conflicts (2 of 4 stars). 2 submissions from 2 submitters: Uncertain significance (2). Last evaluated 2025-11-29.

Conditions:
Inborn genetic diseases. Identifiers: MedGen C0950123, MeSH D030342.

gnomAD v4.1: 24 of 1,613,762 alleles (0.0015%); highest among the groups gnomAD compares: Admixed American, 0.0033%; no homozygotes.

Submissions (2):

Labcorp Genetics (formerly Invitae), Labcorp
Classification: Uncertain significance. Last evaluated: 2025-11-29. Review status: criteria provided, single submitter. Criteria: Invitae Variant Classification Sherloc (09022015). Collection method: clinical testing. Allele origin: germline.
Comment: This sequence change replaces asparagine, which is neutral and polar, with serine, which is neutral and polar, at codon 1158 of the ANK1 protein (p.Asn1158Ser). This variant is present in population databases (rs780578294, gnomAD 0.003%). This variant has not been reported in the literature in individuals affected with ANK1-related conditions. ClinVar contains an entry for this variant (Variation ID: 4050246). Invitae Evidence Modeling of protein sequence and biophysical properties (such as structural, functional, and spatial information, amino acid conservation, physicochemical variation, residue mobility, and thermodynamic stability) has been performed for this missense variant. However, the output from this modeling did not meet the statistical confidence thresholds required to predict the impact of this variant on ANK1 protein function. In summary, the available evidence is currently insufficient to determine the role of this variant in disease. Therefore, it has been classified as a Variant of Uncertain Significance.

Ambry Genetics
Classification: Uncertain significance for Inborn genetic diseases. Last evaluated: 2025-05-18. Review status: criteria provided, single submitter. Criteria: Ambry Variant Classification Scheme 2023. Collection method: clinical testing. Allele origin: germline.

NM_000037.4(ANK1):c.3473A>G (p.Asn1158Ser)

Gene: ANK1 (ankyrin 1; minus strand). Cytogenetic location: 8p11.21.
Variant type: single nucleotide variant.
Coding change: c.3473A>G on transcript NM_000037.4 (MANE Select); coding-DNA position 3473, A replaced by G.
Protein change: p.Asn1158Ser; replaces asparagine 1158 with serine.
Molecular consequence: missense variant.
Genome position (GRCh38, 1-based): chr8:41,693,957, T>C on the plus strand (A>G on the coding strand, the complement: ANK1 is on the minus strand). VCF-style: chr8-41693957-T-C. GRCh37 (hg19) VCF-style: chr8-41551475-T-C.
Other names: c.3596A>G, p.Asn1199Ser (NM_001142446.2); c.3473A>G, p.Asn1158Ser (NM_020475.3, NM_020476.3, NM_020477.3); short protein forms N1199S, N1158S.
Identifiers: ClinVar variation 4050246 (VCV004050246.2).